The following is an entry in ClinVar:

NM_000079.4(CHRNA1):c.254T>C (p.Leu85Pro)

Gene: CHRNA1 (cholinergic receptor nicotinic alpha 1 subunit; minus strand). Cytogenetic location: 2q31.1.
Variant type: single nucleotide variant.
Coding change: c.254T>C on transcript NM_000079.4 (MANE Select); coding-DNA position 254, T replaced by C.
Protein change: p.Leu85Pro; replaces leucine 85 with proline.
Molecular consequence: missense variant.
Genome position (GRCh38, 1-based): chr2:174,757,656, A>G on the plus strand (T>C on the coding strand, the complement: CHRNA1 is on the minus strand). VCF-style: chr2-174757656-A-G. GRCh37 (hg19) VCF-style: chr2-175622384-A-G.
Other names: c.329T>C, p.Leu110Pro (NM_001039523.3); short protein forms L110P, L85P.
Identifiers: ClinVar variation 1177411 (VCV001177411.30), dbSNP rs2105350715, ClinGen allele CA349343847.

ClinVar aggregate classification (germline): Likely pathogenic. Review status: criteria provided, single submitter (1 of 4 stars). 3 submissions from 1 submitter: Likely pathogenic (1). 2 of the submissions do not count toward it. Last evaluated 2024-12-18.

Conditions:
Myasthenic syndrome, congenital, 1A, slow-channel. Also called: Congenital myasthenic syndrome 1A; CMS IIa; MYASTHENIC SYNDROME, CONGENITAL, TYPE IIa. Identifiers: MedGen C2931107, MONDO:0011088, OMIM 601462.
Lethal multiple pterygium syndrome (LMPS). Identifiers: Orphanet 33108, MedGen C1854678, MONDO:0009668, OMIM 253290.

Submissions (3):

Genomic Medicine Center of Excellence, King Faisal Specialist Hospital and Research Centre
Classification: Likely pathogenic for Myasthenic syndrome, congenital, 1A, slow-channel. Last evaluated: 2024-12-18. Review status: criteria provided, single submitter. Criteria: ACMG Guidelines, 2015. Collection method: clinical testing. Allele origin: germline.

Genomic Medicine Center of Excellence, King Faisal Specialist Hospital and Research Centre
Classification: Uncertain significance for Lethal multiple pterygium syndrome. Last evaluated: 2021-04-29. Review status: no assertion criteria provided. Collection method: research. Allele origin: germline. Affected: no. Not counted in ClinVar's aggregate classification.

Genomic Medicine Center of Excellence, King Faisal Specialist Hospital and Research Centre
Classification: Uncertain significance for Lethal multiple pterygium syndrome. Last evaluated: 2021-01-04. Review status: flagged submission. Criteria: ACMG Guidelines, 2015. Collection method: clinical testing. Allele origin: germline. Affected: yes. Not counted in ClinVar's aggregate classification.
ClinVar note: Reason: This record appears to be redundant with a more recent record from the same submitter.
ClinVar note: Notes: SCV001746622 appears to be redundant with SCV001870448.